The following is an entry in ClinVar:

NC_000001.11:g.(236468277_236482266)_(236482649_?)del

Gene: EDARADD (EDAR associated via death domain; plus strand). Cytogenetic location: 1q43.
Variant type: Deletion.
Identifiers: ClinVar variation 4879973 (VCV004879973.1).

ClinVar aggregate classification (germline): Uncertain significance (1 of 4 stars; one submission).

Conditions:
Ectodermal dysplasia 11B, hypohidrotic/hair/tooth type, autosomal recessive. Identifiers: Orphanet 238468, Orphanet 248, MedGen C3539920, MONDO:0013983, OMIM 614941.

Submission:

Foundation for Research in Genetics and Endocrinology, FRIGE's Institute of Human Genetics
Classification: Uncertain significance for Ectodermal dysplasia 11B, hypohidrotic/hair/tooth type, autosomal recessive. Last evaluated: 2026-07-01. Review status: criteria provided, single submitter. Criteria: ACMG Guidelines, 2015. Collection method: clinical testing. Allele origin: germline. Inheritance: Autosomal recessive inheritance. Affected: yes. Observed: 1 variant allele, 1 homozygote.
Comment: A homozygous exonic deletion of size ~0.38 Kb, on chromosome 1 [chr1:g.(236468277_236482266)_(236482649_?)del], comprising of the EDARADD gene [ENST00000334232.9], suggestive of a copy number variant was detected. The coverage and depth of these regions are sufficiently targeted in this assay (WES) and hence, the results are likely to be suggestive of a homozygous deletion of this region [CNV ratio: 0.00; BF value: 25.10].